The following is an entry in ClinVar:

ClinVar aggregate classification (germline): Uncertain significance (1 of 4 stars; one submission).

gnomAD v4.1: 80 of 1,613,410 alleles (0.005%); highest among the groups gnomAD compares: Non-Finnish European, 0.0063%; no homozygotes.

Submission:

Labcorp Genetics (formerly Invitae), Labcorp
Classification: Uncertain significance. Last evaluated: 2025-07-29. Review status: criteria provided, single submitter. Criteria: Invitae Variant Classification Sherloc (09022015). Collection method: clinical testing. Allele origin: germline.
Comment: This sequence change replaces lysine, which is basic and polar, with arginine, which is basic and polar, at codon 47 of the FLI1 protein (p.Lys47Arg). This variant is present in population databases (rs776467314, gnomAD 0.007%). This variant has not been reported in the literature in individuals affected with FLI1-related conditions. Invitae Evidence Modeling of protein sequence and biophysical properties (such as structural, functional, and spatial information, amino acid conservation, physicochemical variation, residue mobility, and thermodynamic stability) indicates that this missense variant is not expected to disrupt FLI1 protein function with a negative predictive value of 80%. In summary, the available evidence is currently insufficient to determine the role of this variant in disease. Therefore, it has been classified as a Variant of Uncertain Significance.

NM_002017.5(FLI1):c.140A>G (p.Lys47Arg)

Gene: FLI1 (Fli-1 proto-oncogene, ETS transcription factor; plus strand). Cytogenetic location: 11q24.3.
Variant type: single nucleotide variant.
Coding change: c.140A>G on transcript NM_002017.5 (MANE Select); coding-DNA position 140, A replaced by G.
Protein change: p.Lys47Arg; replaces lysine 47 with arginine.
Molecular consequence: missense variant. On other transcripts: 5 prime UTR variant (2).
Genome position (GRCh38, 1-based): chr11:128,758,236, A>G. VCF-style: chr11-128758236-A-G. GRCh37 (hg19) VCF-style: chr11-128628131-A-G.
Other names: c.-230A>G (NM_001271010.2); c.-81A>G (NM_001271012.2); c.41A>G, p.Lys14Arg (NM_001440369.1, NM_001440370.1, NM_001440371.1 and 1 more transcripts); c.140A>G, p.Lys47Arg (NM_001440372.1); short protein forms K47R, K14R.
Identifiers: ClinVar variation 4779928 (VCV004779928.1).